The following is an entry in ClinVar:

NM_001374736.1(DST):c.13284G>T (p.Met4428Ile)

Gene: DST (dystonin; minus strand). Cytogenetic location: 6p12.1.
Variant type: single nucleotide variant.
Coding change: c.13284G>T on transcript NM_001374736.1 (MANE Select); coding-DNA position 13284, G replaced by T.
Protein change: p.Met4428Ile; replaces methionine 4428 with isoleucine.
Molecular consequence: missense variant.
Genome position (GRCh38, 1-based): chr6:56,573,017, C>A on the plus strand (G>T on the coding strand, the complement: DST is on the minus strand). VCF-style: chr6-56573017-C-A. GRCh37 (hg19) VCF-style: chr6-56437815-C-A.
Other names: c.6927G>T, p.Met2309Ile (NM_001144769.5); c.6513G>T, p.Met2171Ile (NM_001144770.2); c.13284G>T, p.Met4428Ile (NM_001374722.1); c.12651G>T, p.Met4217Ile (NM_001374729.1); c.6393G>T, p.Met2131Ile (NM_001374730.1, NM_001386100.1, NM_183380.4); c.13311G>T, p.Met4437Ile (NM_001374734.1); c.5415G>T, p.Met1805Ile (NM_015548.5); short protein forms M2131I, M1805I, M2171I, M2309I, M4217I, M4428I, M4437I.
Identifiers: ClinVar variation 661094 (VCV000661094.7), dbSNP rs749936213, ClinGen allele CA3868237.
Genomic context (GRCh38, chr6:56,573,017, plus strand): 5'-TTGCAGTGAGGATGCAGTGGATGGATCTGTTGTTTCCATAAATTTCTTCACTTTTTCATT[C>A]ATGGCATTTATACTGCTCTGACGACCTGCAATATCCTGTTCCAACATCTAAAATAAACCA-3'
Protein context (NP_001361665.1, residues 4418-4438): IAGRQSSINA[Met4428Ile]NEKVKKFMET

ClinVar aggregate classification (germline): Uncertain significance (1 of 4 stars; one submission).

Conditions:
Epidermolysis bullosa simplex 3, localized or generalized intermediate, with BP230 deficiency (EBS3). Also called: Epidermolysis bullosa simplex due to BP230 deficiency; Epidermolysis bullosa simplex, autosomal recessive 2. Identifiers: Orphanet 412181, MedGen C3809470, MONDO:0014180, OMIM 615425.
Hereditary sensory and autonomic neuropathy type 6. Also called: HSAN VI; Neuropathy, hereditary sensory and autonomic, type VI. Identifiers: Orphanet 314381, MedGen C3539003, MONDO:0013839, OMIM 614653.

Allele frequency attached by ClinVar (database versions not stated): gnomAD exomes below 0.00001; TOPMed below 0.00001; ExAC 0.00001; gnomAD 0.00001.
gnomAD v4.1: 5 of 1,604,722 alleles (0.00031%); highest among the groups gnomAD compares: Non-Finnish European, 0.00043%; no homozygotes.

Submission:

Labcorp Genetics (formerly Invitae), Labcorp
Classification: Uncertain significance for Epidermolysis bullosa simplex 3, localized or generalized intermediate, with BP230 deficiency; Hereditary sensory and autonomic neuropathy type 6. Last evaluated: 2018-12-18. Review status: criteria provided, single submitter. Criteria: Invitae Variant Classification Sherloc (09022015). Collection method: clinical testing. Allele origin: germline.
Comment: In summary, the available evidence is currently insufficient to determine the role of this variant in disease. Therefore, it has been classified as a Variant of Uncertain Significance. Algorithms developed to predict the effect of missense changes on protein structure and function output the following: SIFT: "Tolerated"; PolyPhen-2: "Benign"; Align-GVGD: "Class C0". The isoleucine amino acid residue is found in multiple mammalian species, suggesting that this missense change does not adversely affect protein function. These predictions have not been confirmed by published functional studies and their clinical significance is uncertain. This variant has not been reported in the literature in individuals with DST-related conditions. This variant is present in population databases (rs749936213, ExAC 0.002%). This sequence change replaces methionine with isoleucine at codon 1805 of the DST protein (p.Met1805Ile). The methionine residue is moderately conserved and there is a small physicochemical difference between methionine and isoleucine. The DST gene has multiple clinically relevant transcripts. The p.Met1805Ile variant occurs in alternate transcript NM_015548.4, which corresponds to c.*42500G>T in NM_001723.5, the primary transcript listed in the Methods.